The following is an entry in ClinVar:

ClinVar aggregate classification (germline): Benign. Review status: criteria provided, multiple submitters, no conflicts (2 of 4 stars). 2 submissions from 2 submitters: Benign (2). Last evaluated 2018-06-18.

Allele frequency attached by ClinVar (database versions not stated): gnomAD 0.14561 and 0.14856; gnomAD exomes 0.15299; TOPMed 0.15463; 1000 Genomes Project 0.16833; 1000 Genomes Project 30x 0.17021.
gnomAD v4.1: 166,964 of 1,093,786 alleles (15%); highest among the groups gnomAD compares: Admixed American, 22%; 13,373 homozygotes.

Submissions (2):

GeneDx
Classification: Benign. Last evaluated: 2018-06-18. Review status: criteria provided, single submitter. Criteria: GeneDx Variant Classification (06012015). Collection method: clinical testing. Allele origin: germline. Affected: yes.
Comment: This variant is considered likely benign or benign based on one or more of the following criteria: it is a conservative change, it occurs at a poorly conserved position in the protein, it is predicted to be benign by multiple in silico algorithms, and/or has population frequency not consistent with disease.

Breakthrough Genomics
Classification: Benign. Review status: criteria provided, single submitter. Criteria: ACMG Guidelines, 2015. Collection method: not provided. Allele origin: germline. Inheritance: Autosomal recessive inheritance. Affected: yes.

NM_153026.3(PRICKLE1):c.132+122T>C

Gene: PRICKLE1 (prickle planar cell polarity protein 1; minus strand). Cytogenetic location: 12q12.
Variant type: single nucleotide variant.
Coding change: c.132+122T>C on transcript NM_153026.3 (MANE Select); 122 bases into the intron after coding-DNA position 132, T replaced by C.
Molecular consequence: intron variant.
Genome position (GRCh38, 1-based): chr12:42,472,263, A>G on the plus strand (T>C on the coding strand, the complement: PRICKLE1 is on the minus strand). VCF-style: chr12-42472263-A-G. GRCh37 (hg19) VCF-style: chr12-42866065-A-G.
Other names: c.132+122T>C (NM_001144883.2, NM_001144882.2, NM_001144881.2).
Identifiers: ClinVar variation 668599 (VCV000668599.2), dbSNP rs2305422, ClinGen allele CA13723599.